The following is an entry in ClinVar:

NM_001002294.3(FMO3):c.825_827+16del

Gene: FMO3 (flavin containing dimethylaniline monoxygenase 3; plus strand). Cytogenetic location: 1q24.3.
Variant type: Deletion.
Coding change: c.825_827+16del on transcript NM_001002294.3 (MANE Select); coding-DNA position 825 through 16 bases into the intron after coding-DNA position 827, 19 bases deleted (TGGGTAATGCAGAGCTAAA).
Molecular consequence: splice donor variant.
Genome position (GRCh38, 1-based): chr1:171,110,995-171,111,013, TGGGTAATGCAGAGCTAAA deleted; deleting any 19 consecutive bases within chr1:171,110,991-171,111,013 gives the same sequence; the c. name uses the placement nearest the transcript's 3' end. VCF-style (leftmost placement, unchanged base first): chr1-171110990-TTAAATGGGTAATGCAGAGC-T. GRCh37 (hg19) VCF-style: chr1-171080131-TTAAATGGGTAATGCAGAGC-T.
Other names: c.636_638+16del (NM_001319174.2); c.765_767+16del (NM_001319173.2); c.825_827+16del (NM_006894.6).
Identifiers: ClinVar variation 2853237 (VCV002853237.3), dbSNP rs2526341854, ClinGen allele CA2739275403.

ClinVar aggregate classification (germline): Likely pathogenic (1 of 4 stars; one submission).

Submission:

Labcorp Genetics (formerly Invitae), Labcorp
Classification: Likely pathogenic. Last evaluated: 2023-04-07. Review status: criteria provided, single submitter. Criteria: Invitae Variant Classification Sherloc (09022015). Collection method: clinical testing. Allele origin: germline.
Comment: In summary, the currently available evidence indicates that the variant is pathogenic, but additional data are needed to prove that conclusively. Therefore, this variant has been classified as Likely Pathogenic. This variant has not been reported in the literature in individuals affected with FMO3-related conditions. This variant is not present in population databases (gnomAD no frequency). This variant results in the deletion of part of exon 6 (c.825_827+16del) of the FMO3 gene. It is expected to disrupt RNA splicing. Variants that disrupt the donor or acceptor splice site typically lead to a loss of protein function (PMID: 16199547), and loss-of-function variants in FMO3 are known to be pathogenic (PMID: 20301282).

Literature cited by the submitters: PubMed 16199547; PubMed 20301282.